The following is an entry in ClinVar:

NM_020975.6(RET):c.396T>G (p.Leu132=)

Gene: RET (ret proto-oncogene; plus strand). Cytogenetic location: 10q11.21.
Variant type: single nucleotide variant.
Coding change: c.396T>G on transcript NM_020975.6 (MANE Select); coding-DNA position 396, T replaced by G.
Protein change: p.Leu132=; no amino-acid change (leucine 132 retained).
Molecular consequence: synonymous variant. On other transcripts: intron variant (22).
Genome position (GRCh38, 1-based): chr10:43,102,400, T>G. VCF-style: chr10-43102400-T-G. GRCh37 (hg19) VCF-style: chr10-43597848-T-G.
Other names: c.396T>G, p.Leu132= (NM_000323.2, NM_001406743.1, NM_001406744.1 and 16 more transcripts); c.338-71T>G (NM_001406764.1, NM_001406762.1, NM_001406761.1 and 4 more transcripts); c.337+1678T>G (NM_001406770.1, NM_001406766.1, NM_001406767.1 and 8 more transcripts); c.74-6631T>G (NM_001406784.1); c.74-9699T>G (NM_001406794.1, NM_001406792.1, NM_001406793.1).
Identifiers: ClinVar variation 3069902 (VCV003069902.1), dbSNP rs2132679255, ClinGen allele CA469279249.

ClinVar aggregate classification (germline): Likely benign (1 of 4 stars; one submission).

Conditions:
Multiple endocrine neoplasia, type 2 (MEN2). Identifiers: Orphanet 653, MedGen C4048306, MONDO:0019003. Disease mechanism: gain of function.

Submission:

All of Us Research Program, National Institutes of Health
Classification: Likely benign for Multiple endocrine neoplasia, type 2. Last evaluated: 2023-03-23. Review status: criteria provided, single submitter. Criteria: ACMG Guidelines, 2015. Collection method: clinical testing. Allele origin: germline. Inheritance: Autosomal dominant inheritance. Observed: 1 variant allele, 1 heterozygote.
Comment: This study involves interpretation of variants in research participants for the purpose of population health screening. Participant phenotype was not available at the time of variant classification. Additional details can be found in publication PMID: 35346344, PMCID: PMC8962531